The following is an entry in ClinVar:

ClinVar aggregate classification (germline): Uncertain significance (1 of 4 stars; one submission).

Conditions:
Hereditary cancer-predisposing syndrome. Also called: Neoplastic Syndromes, Hereditary; Tumor predisposition; Hereditary Cancer Syndrome; Hereditary neoplastic syndrome. Identifiers: Orphanet 140162, MedGen C0027672, MeSH D009386, MONDO:0015356.
Cardiovascular phenotype. Identifiers: MedGen CN230736.

Allele frequency attached by ClinVar (database versions not stated): TOPMed below 0.00001; gnomAD 0.00001.
gnomAD v4.1: 2 of 1,613,852 alleles (0.00012%); highest among the groups gnomAD compares: Non-Finnish European, 0.00017%; no homozygotes.

Submission:

Ambry Genetics
Classification: Uncertain significance for Cardiovascular phenotype; Hereditary cancer-predisposing syndrome. Last evaluated: 2021-06-11. Review status: criteria provided, single submitter. Criteria: Ambry Variant Classification Scheme 2023. Collection method: clinical testing. Allele origin: germline.
Comment: The p.H2571Y variant (also known as c.7711C>T), located in coding exon 52 of the NF1 gene, results from a C to T substitution at nucleotide position 7711. The histidine at codon 2571 is replaced by tyrosine, an amino acid with similar properties. This amino acid position is highly conserved in available vertebrate species. In addition, this alteration is predicted to be tolerated by in silico analysis. Since supporting evidence is limited at this time, the clinical significance of this alteration remains unclear.

NM_001042492.3(NF1):c.7774C>T (p.His2592Tyr)

Gene: NF1 (neurofibromin 1; plus strand). Cytogenetic location: 17q11.2.
Variant type: single nucleotide variant.
Coding change: c.7774C>T on transcript NM_001042492.3 (MANE Select); coding-DNA position 7774, C replaced by T.
Protein change: p.His2592Tyr; replaces histidine 2592 with tyrosine.
Molecular consequence: missense variant.
Genome position (GRCh38, 1-based): chr17:31,356,995, C>T. VCF-style: chr17-31356995-C-T. GRCh37 (hg19) VCF-style: chr17-29684013-C-T.
Other names: c.7711C>T, p.His2571Tyr (NM_000267.4); short protein forms H2571Y, H2592Y.
Identifiers: ClinVar variation 1760270 (VCV001760270.2), dbSNP rs749460130, ClinGen allele CA399018424.
Genomic context (GRCh38, chr17:31,356,995, plus strand): 5'-ACGTTAATTCCCTATCTTGCTGCAGAAACTCAGAGGATTTCCTCATCACAACAGCACCCA[C>T]ATTTACGTAAAGTTTCAGTGTCTGAATCAAATGTTCTCTTGGATGAAGAAGTACTTACTG-3'
Protein context (NP_001035957.1, residues 2582-2602): QRISSSQQHP[His2592Tyr]LRKVSVSESN